The following is an entry in ClinVar:

ClinVar aggregate classification (germline): Uncertain significance (1 of 4 stars; one submission).

Conditions:
Blau syndrome (BLAUS). Also called: GRANULOMATOSIS, FAMILIAL JUVENILE SYSTEMIC; GRANULOMATOSIS, FAMILIAL, BLAU TYPE; GRANULOMATOUS INFLAMMATORY ARTHRITIS, DERMATITIS, AND UVEITIS, FAMILIAL; JABS SYNDROME; ARTHROCUTANEOUVEAL GRANULOMATOSIS. Identifiers: Orphanet 90340, MedGen C5201146, MONDO:0008523, OMIM 186580.
Regional enteritis. Also called: Enteritis, Granulomatous. Identifiers: MedGen C0678202, MeSH D003424.

Allele frequency attached by ClinVar (database versions not stated): gnomAD 0.00002.
gnomAD v4.1: 12 of 1,611,214 alleles (0.00074%); highest among the groups gnomAD compares: Non-Finnish European, 0.001%; no homozygotes.

Submission:

Labcorp Genetics (formerly Invitae), Labcorp
Classification: Uncertain significance for Regional enteritis; Blau syndrome. Last evaluated: 2022-01-27. Review status: criteria provided, single submitter. Criteria: Invitae Variant Classification Sherloc (09022015). Collection method: clinical testing. Allele origin: germline.
Comment: In summary, the available evidence is currently insufficient to determine the role of this variant in disease. Therefore, it has been classified as a Variant of Uncertain Significance. Advanced modeling of protein sequence and biophysical properties (such as structural, functional, and spatial information, amino acid conservation, physicochemical variation, residue mobility, and thermodynamic stability) performed at Invitae indicates that this missense variant is not expected to disrupt NOD2 protein function. This variant has not been reported in the literature in individuals affected with NOD2-related conditions. This variant is present in population databases (no rsID available, gnomAD 0.03%). This sequence change replaces glutamic acid, which is acidic and polar, with glutamine, which is neutral and polar, at codon 653 of the NOD2 protein (p.Glu653Gln).

NM_001370466.1(NOD2):c.1876G>C (p.Glu626Gln)

Gene: NOD2 (nucleotide binding oligomerization domain containing 2; plus strand). Cytogenetic location: 16q12.1.
Variant type: single nucleotide variant.
Coding change: c.1876G>C on transcript NM_001370466.1 (MANE Select); coding-DNA position 1876, G replaced by C.
Protein change: p.Glu626Gln; replaces glutamic acid 626 with glutamine.
Molecular consequence: missense variant. On other transcripts: non-coding transcript variant (1).
Genome position (GRCh38, 1-based): chr16:50,711,868, G>C. VCF-style: chr16-50711868-G-C. GRCh37 (hg19) VCF-style: chr16-50745779-G-C.
Other names: c.1876G>C, p.Glu626Gln (NM_001293557.2); c.1957G>C, p.Glu653Gln (NM_022162.3); short protein forms E626Q, E653Q.
Identifiers: ClinVar variation 1476297 (VCV001476297.6), dbSNP rs757895989, ClinGen allele CA281263504.